The following is an entry in ClinVar:

ClinVar aggregate classification (germline): Uncertain significance (0 of 4 stars; one submission).

Conditions:
FLT4-related disorder. Also called: FLT4-related condition.

Submission:

PreventionGenetics, part of Exact Sciences
Classification: Uncertain significance for FLT4-related condition. Last evaluated: 2024-05-06. Review status: no assertion criteria provided. Collection method: clinical testing. Allele origin: germline.
Comment: The FLT4 c.3245C>A variant is predicted to result in the amino acid substitution p.Ala1082Asp. To our knowledge, this variant has not been reported in the literature or in a large population database, indicating this variant is rare. At this time, the clinical significance of this variant is uncertain due to the absence of conclusive functional and genetic evidence.

NM_182925.5(FLT4):c.3245C>A (p.Ala1082Asp)

Gene: FLT4 (fms related receptor tyrosine kinase 4; minus strand). Cytogenetic location: 5q35.3.
Variant type: single nucleotide variant.
Coding change: c.3245C>A on transcript NM_182925.5 (MANE Select); coding-DNA position 3245, C replaced by A.
Protein change: p.Ala1082Asp; replaces alanine 1082 with aspartic acid.
Molecular consequence: missense variant.
Genome position (GRCh38, 1-based): chr5:180,614,154, G>T on the plus strand (C>A on the coding strand, the complement: FLT4 is on the minus strand). VCF-style: chr5-180614154-G-T. GRCh37 (hg19) VCF-style: chr5-180041154-G-T.
Other names: c.3245C>A, p.Ala1082Asp (NM_001354989.2, NM_002020.5); short protein forms A1082D.
Identifiers: ClinVar variation 3356300 (VCV003356300.1).